The following is an entry in ClinVar:

NM_199420.4(POLQ):c.5907G>C (p.Gln1969His)

Gene: POLQ (DNA polymerase theta; minus strand). Cytogenetic location: 3q13.33.
Variant type: single nucleotide variant.
Coding change: c.5907G>C on transcript NM_199420.4 (MANE Select); coding-DNA position 5907, G replaced by C.
Protein change: p.Gln1969His; replaces glutamine 1969 with histidine.
Molecular consequence: missense variant.
Genome position (GRCh38, 1-based): chr3:121,483,449, C>G on the plus strand (G>C on the coding strand, the complement: POLQ is on the minus strand). VCF-style: chr3-121483449-C-G. GRCh37 (hg19) VCF-style: chr3-121202296-C-G.
Other names: short protein forms Q1969H.
Identifiers: ClinVar variation 1750425 (VCV001750425.3), dbSNP rs2546781674, ClinGen allele CA354088528.

ClinVar aggregate classification (germline): Uncertain significance (1 of 4 stars; one submission).

Submission:

Ambry Genetics
Classification: Uncertain significance. Last evaluated: 2023-07-18. Review status: criteria provided, single submitter. Criteria: Ambry Variant Classification Scheme 2023. Collection method: clinical testing. Allele origin: germline.
Comment: The p.Q1969H variant (also known as c.5907G>C), located in coding exon 18 of the POLQ gene, results from a G to C substitution at nucleotide position 5907. The glutamine at codon 1969 is replaced by histidine, an amino acid with highly similar properties. This amino acid position is conserved. In addition, this alteration is predicted to be tolerated by in silico analysis. Since supporting evidence is limited at this time, the clinical significance of this alteration remains unclear.